The following is an entry in ClinVar:

ClinVar aggregate classification (germline): Uncertain significance (1 of 4 stars; one submission).

gnomAD v4.1: 2 of 1,552,576 alleles (0.00013%); highest among the groups gnomAD compares: Admixed American, 0.0039%; no homozygotes.

Submission:

GeneDx
Classification: Uncertain significance. Last evaluated: 2024-04-12. Review status: criteria provided, single submitter. Criteria: GeneDx Variant Classification Process June 2021. Collection method: clinical testing. Allele origin: germline. Affected: yes.
Comment: Not observed at significant frequency in large population cohorts (gnomAD); In silico analysis supports that this missense variant has a deleterious effect on protein structure/function; In silico analysis indicates that this missense variant does not alter protein structure/function; Has not been previously published as pathogenic or benign to our knowledge

NM_006659.4(TUBGCP2):c.807C>G (p.Ser269Arg)

Genes: TUBGCP2 (tubulin gamma complex component 2; minus strand), LOC126861106 (P300/CBP strongly-dependent group 1 enhancer GRCh37_chr10:135106330-135107529; plus strand). Cytogenetic location: 10q26.3.
Variant type: single nucleotide variant.
Coding change: c.807C>G on transcript NM_006659.4 (MANE Select); coding-DNA position 807, C replaced by G.
Protein change: p.Ser269Arg; replaces serine 269 with arginine.
Molecular consequence: missense variant. On other transcripts: non-coding transcript variant (1).
Genome position (GRCh38, 1-based): chr10:133,293,579, G>C on the plus strand (C>G on the coding strand, the complement: TUBGCP2 is on the minus strand). VCF-style: chr10-133293579-G-C. GRCh37 (hg19) VCF-style: chr10-135107083-G-C.
Other names: c.891C>G, p.Ser297Arg (NM_001256617.2); c.417C>G, p.Ser139Arg (NM_001256618.2); short protein forms S139R, S269R, S297R.
Identifiers: ClinVar variation 3372317 (VCV003372317.1).